The following is an entry in ClinVar:

ClinVar aggregate classification (germline): Uncertain significance. Review status: criteria provided, multiple submitters, no conflicts (2 of 4 stars). 2 submissions from 2 submitters: Uncertain significance (2). Last evaluated 2025-08-22.

Conditions:
SUDDEN INFANT DEATH SYNDROME (SIDS). Also called: Sudden Infant Death. Identifiers: MedGen C0038644, MeSH D013398, OMIM 272120.
Hyperkalemic periodic paralysis. Also called: Familial hyperkalemic periodic paralysis; Gamstorp disease. Identifiers: Orphanet 682, MedGen C0238357, MONDO:0008224, OMIM 170500, HP:0007215.

Allele frequency attached by ClinVar (database versions not stated): gnomAD 0.00001.
gnomAD v4.1: 33 of 1,611,612 alleles (0.002%); highest among the groups gnomAD compares: South Asian, 0.011%; 1 homozygote.

Submissions (2):

Labcorp Genetics (formerly Invitae), Labcorp
Classification: Uncertain significance for Hyperkalemic periodic paralysis. Last evaluated: 2025-08-22. Review status: criteria provided, single submitter. Criteria: Invitae Variant Classification Sherloc (09022015). Collection method: clinical testing. Allele origin: germline.
Comment: This sequence change replaces serine, which is neutral and polar, with tryptophan, which is neutral and slightly polar, at codon 682 of the SCN4A protein (p.Ser682Trp). This variant is present in population databases (rs751368967, gnomAD 0.007%). This missense change has been observed in individual(s) with sudden infant death syndrome (PMID: 29605429, 35027292). ClinVar contains an entry for this variant (Variation ID: 1327128). Invitae Evidence Modeling of protein sequence and biophysical properties (such as structural, functional, and spatial information, amino acid conservation, physicochemical variation, residue mobility, and thermodynamic stability) indicates that this missense variant is expected to disrupt SCN4A protein function with a positive predictive value of 80%. Experimental studies have shown that this missense change affects SCN4A function (PMID: 29605429). In summary, the available evidence is currently insufficient to determine the role of this variant in disease. Therefore, it has been classified as a Variant of Uncertain Significance.

Robert's Program, Boston Children's Hospital
Classification: Uncertain significance for SUDDEN INFANT DEATH SYNDROME. Last evaluated: 2021-10-01. Review status: criteria provided, single submitter. Criteria: ACMG Guidelines, 2015. Collection method: research. Allele origin: germline. Affected: yes.
Comment: We classify this variant as a variant of uncertain significance using ACMG/AMP criteria. As this variant has functional evidence supporting pathogenicty, we suspect this variant is favoring pathogenic.

Literature cited by the submitters: PubMed 29605429 (cited by Labcorp Genetics (formerly Invitae), Labcorp); PubMed 35027292 (cited by Labcorp Genetics (formerly Invitae), Labcorp).

NM_000334.4(SCN4A):c.2045C>G (p.Ser682Trp)

Genes: GH-LCR (growth hormone locus control region; plus strand), SCN4A (sodium voltage-gated channel alpha subunit 4; minus strand). Cytogenetic location: 17q23.3.
Variant type: single nucleotide variant.
Coding change: c.2045C>G on transcript NM_000334.4 (MANE Select); coding-DNA position 2045, C replaced by G.
Protein change: p.Ser682Trp; replaces serine 682 with tryptophan.
Molecular consequence: missense variant.
Genome position (GRCh38, 1-based): chr17:63,957,493, G>C on the plus strand (C>G on the coding strand, the complement: SCN4A is on the minus strand). VCF-style: chr17-63957493-G-C. GRCh37 (hg19) VCF-style: chr17-62034853-G-C.
Other names: short protein forms S682W.
Identifiers: ClinVar variation 1327128 (VCV001327128.4), dbSNP rs751368967, ClinGen allele CA8709667.